The following is an entry in ClinVar:

NM_020937.4(FANCM):c.757A>C (p.Lys253Gln)

Gene: FANCM (FA complementation group M; plus strand). Cytogenetic location: 14q21.2.
Variant type: single nucleotide variant.
Coding change: c.757A>C on transcript NM_020937.4 (MANE Select); coding-DNA position 757, A replaced by C.
Protein change: p.Lys253Gln; replaces lysine 253 with glutamine.
Molecular consequence: missense variant. On other transcripts: intron variant (1).
Genome position (GRCh38, 1-based): chr14:45,140,707, A>C. VCF-style: chr14-45140707-A-C. GRCh37 (hg19) VCF-style: chr14-45609910-A-C.
Other names: c.757A>C, p.Lys253Gln (NM_001308134.2); c.681+3466A>C (NM_001308133.2); short protein forms K253Q.
Identifiers: ClinVar variation 4022825 (VCV004022825.1).

ClinVar aggregate classification (germline): Uncertain significance (1 of 4 stars; one submission).

Conditions:
Inborn genetic diseases. Identifiers: MedGen C0950123, MeSH D030342.

Submission:

Ambry Genetics
Classification: Uncertain significance for Inborn genetic diseases. Last evaluated: 2025-05-31. Review status: criteria provided, single submitter. Criteria: Ambry Variant Classification Scheme 2023. Collection method: clinical testing. Allele origin: germline.
Comment: The p.K253Q variant (also known as c.757A>C), located in coding exon 3 of the FANCM gene, results from an A to C substitution at nucleotide position 757. The lysine at codon 253 is replaced by glutamine, an amino acid with similar properties. This amino acid position is conserved. In addition, this alteration is predicted to be tolerated by in silico analysis. Based on the available evidence, the clinical significance of this variant remains unclear.